The following is an entry in ClinVar:

NM_014989.7(RIMS1):c.1367C>G (p.Pro456Arg)

Gene: RIMS1 (regulating synaptic membrane exocytosis 1; plus strand). Cytogenetic location: 6q13.
Variant type: single nucleotide variant.
Coding change: c.1367C>G on transcript NM_014989.7 (MANE Select); coding-DNA position 1367, C replaced by G.
Protein change: p.Pro456Arg; replaces proline 456 with arginine.
Molecular consequence: missense variant.
Genome position (GRCh38, 1-based): chr6:72,182,838, C>G. VCF-style: chr6-72182838-C-G. GRCh37 (hg19) VCF-style: chr6-72892541-C-G.
Other names: c.1367C>G (NM_014989.4); short protein forms P456R.
Identifiers: ClinVar variation 1915571 (VCV001915571.6), dbSNP rs1316820446, ClinGen allele CA364821054.

ClinVar aggregate classification (germline): Uncertain significance. Review status: criteria provided, multiple submitters, no conflicts (2 of 4 stars). 2 submissions from 2 submitters: Uncertain significance (2). Last evaluated 2025-05-01.

Allele frequency attached by ClinVar (database versions not stated): gnomAD 0.00001.
gnomAD v4.1: 3 of 1,552,500 alleles (0.00019%); highest among the groups gnomAD compares: Admixed American, 0.0058%; no homozygotes.

Submissions (2):

Ambry Genetics
Classification: Uncertain significance. Last evaluated: 2025-05-01. Review status: criteria provided, single submitter. Criteria: Ambry Variant Classification Scheme 2023. Collection method: clinical testing. Allele origin: germline.

Labcorp Genetics (formerly Invitae), Labcorp
Classification: Uncertain significance. Last evaluated: 2022-04-15. Review status: criteria provided, single submitter. Criteria: Invitae Variant Classification Sherloc (09022015). Collection method: clinical testing. Allele origin: germline.
Comment: In summary, the available evidence is currently insufficient to determine the role of this variant in disease. Therefore, it has been classified as a Variant of Uncertain Significance. Algorithms developed to predict the effect of missense changes on protein structure and function are either unavailable or do not agree on the potential impact of this missense change (SIFT: "Deleterious"; PolyPhen-2: "Benign"; Align-GVGD: "Class C0"). This variant has not been reported in the literature in individuals affected with RIMS1-related conditions. This variant is not present in population databases (gnomAD no frequency). This sequence change replaces proline, which is neutral and non-polar, with arginine, which is basic and polar, at codon 456 of the RIMS1 protein (p.Pro456Arg).